The following is an entry in ClinVar:

NM_001287491.2(TET3):c.3095A>G (p.Tyr1032Cys)

Gene: TET3 (tet methylcytosine dioxygenase 3; plus strand). Cytogenetic location: 2p13.1.
Variant type: single nucleotide variant.
Coding change: c.3095A>G on transcript NM_001287491.2 (MANE Select); coding-DNA position 3095, A replaced by G.
Protein change: p.Tyr1032Cys; replaces tyrosine 1032 with cysteine.
Molecular consequence: missense variant.
Genome position (GRCh38, 1-based): chr2:74,092,957, A>G. VCF-style: chr2-74092957-A-G. GRCh37 (hg19) VCF-style: chr2-74320084-A-G.
Other names: c.2816A>G, p.Tyr939Cys (NM_001366022.1); short protein forms Y1032C, Y939C.
Identifiers: ClinVar variation 4795648 (VCV004795648.1).

ClinVar aggregate classification (germline): Uncertain significance (1 of 4 stars; one submission).

Submission:

GeneDx
Classification: Uncertain significance. Last evaluated: 2025-08-09. Review status: criteria provided, single submitter. Criteria: GeneDx Variant Classification Process June 2021. Collection method: clinical testing. Allele origin: germline. Affected: yes.
Comment: Not observed at significant frequency in large population cohorts (gnomAD); In silico analysis supports that this missense variant has a deleterious effect on protein structure/function; Has not been previously published as pathogenic or benign to our knowledge